The following is an entry in ClinVar:

NM_001369.3(DNAH5):c.11810G>A (p.Trp3937Ter)

Gene: DNAH5 (dynein axonemal heavy chain 5; minus strand). Cytogenetic location: 5p15.2.
Variant type: single nucleotide variant.
Coding change: c.11810G>A on transcript NM_001369.3 (MANE Select); coding-DNA position 11810, G replaced by A.
Protein change: p.Trp3937Ter; replaces tryptophan 3937 with a stop codon.
Molecular consequence: nonsense.
Genome position (GRCh38, 1-based): chr5:13,729,512, C>T on the plus strand (G>A on the coding strand, the complement: DNAH5 is on the minus strand). VCF-style: chr5-13729512-C-T. GRCh37 (hg19) VCF-style: chr5-13729621-C-T.
Other names: short protein forms W3937*.
Identifiers: ClinVar variation 2012423 (VCV002012423.4), dbSNP rs527387894, ClinGen allele CA359220131.

ClinVar aggregate classification (germline): Pathogenic (1 of 4 stars; one submission).

Conditions:
Primary ciliary dyskinesia. Also called: Ciliary dyskinesia. Identifiers: Orphanet 244, MedGen C0008780, MONDO:0016575, HP:0012265.

Allele frequency attached by ClinVar (database versions not stated): gnomAD exomes below 0.00001.
gnomAD v4.1: 1 of 1,613,890 alleles (0.000062%); highest among the groups gnomAD compares: Non-Finnish European, 0.000085%; no homozygotes.

Submission:

Labcorp Genetics (formerly Invitae), Labcorp
Classification: Pathogenic for Primary ciliary dyskinesia. Last evaluated: 2022-06-30. Review status: criteria provided, single submitter. Criteria: Invitae Variant Classification Sherloc (09022015). Collection method: clinical testing. Allele origin: germline.
Comment: For these reasons, this variant has been classified as Pathogenic. Algorithms developed to predict the effect of sequence changes on RNA splicing suggest that this variant may disrupt the consensus splice site. This variant has not been reported in the literature in individuals affected with DNAH5-related conditions. This variant is not present in population databases (gnomAD no frequency). This sequence change creates a premature translational stop signal (p.Trp3937*) in the DNAH5 gene. It is expected to result in an absent or disrupted protein product. Loss-of-function variants in DNAH5 are known to be pathogenic (PMID: 11788826, 16627867).

Literature cited by the submitters: PubMed 11788826; PubMed 16627867.